The following is an entry in ClinVar:

ClinVar aggregate classification (germline): Uncertain significance (1 of 4 stars; one submission).

Conditions:
Epidermolysis bullosa simplex with nail dystrophy (EBS5D). Identifiers: MedGen C4225309, MONDO:0014661, OMIM 616487.
Epidermolysis bullosa simplex, Ogna type (EBS5A). Also called: EPIDERMOLYSIS BULLOSA SIMPLEX 5A, OGNA TYPE; Pidermolysis bullosa simplex 5A, Ogna type. Identifiers: Orphanet 79401, MedGen C0432317, MONDO:0007555, OMIM 131950.
Autosomal recessive limb-girdle muscular dystrophy type 2Q (LGMDR17). Also called: MUSCULAR DYSTROPHY, LIMB-GIRDLE, AUTOSOMAL RECESSIVE 17. Identifiers: Orphanet 254361, MedGen C3150989, MONDO:0013390, OMIM 613723.
Epidermolysis bullosa simplex 5B, with muscular dystrophy (EBS5B). Also called: EPIDERMOLYSIS BULLOSA SIMPLEX AND LIMB-GIRDLE MUSCULAR DYSTROPHY; Epidermolysis bullosa simplex with muscular dystrophy. Identifiers: Orphanet 257, MedGen C2931072, MONDO:0009181, OMIM 226670.
Epidermolysis bullosa simplex 5C, with pyloric atresia (EBS5C). Also called: PLEC-Related Epidermolysis Bullosa with Pyloric Atresia; Epidermolysis bullosa simplex with pyloric atresia; PLEC1-Related Epidermolysis Bullosa with Pyloric Atresia. Identifiers: Orphanet 158684, MedGen C2677349, MONDO:0012807, OMIM 612138.

gnomAD v4.1: 3 of 1,608,662 alleles (0.00019%); highest among the groups gnomAD compares: Non-Finnish European, 0.00025%; no homozygotes.

Submission:

Labcorp Genetics (formerly Invitae), Labcorp
Classification: Uncertain significance for Autosomal recessive limb-girdle muscular dystrophy type 2Q; Epidermolysis bullosa simplex, Ogna type; Epidermolysis bullosa simplex with nail dystrophy; Epidermolysis bullosa simplex 5C, with pyloric atresia; Epidermolysis bullosa simplex 5B, with muscular dystrophy. Last evaluated: 2025-08-19. Review status: criteria provided, single submitter. Criteria: Invitae Variant Classification Sherloc (09022015). Collection method: clinical testing. Allele origin: germline.
Comment: This sequence change replaces arginine, which is basic and polar, with glutamine, which is neutral and polar, at codon 38 of the PLEC protein (p.Arg38Gln). This variant is present in population databases (rs781892362, gnomAD 0.0009%). This variant has not been reported in the literature in individuals affected with PLEC-related conditions. Experimental studies and prediction algorithms are not available or were not evaluated, and the functional significance of this variant is currently unknown. In summary, the available evidence is currently insufficient to determine the role of this variant in disease. Therefore, it has been classified as a Variant of Uncertain Significance.

NM_000445.5(PLEC):c.113G>A (p.Arg38Gln)

Gene: PLEC (plectin; minus strand). Cytogenetic location: 8q24.3.
Variant type: single nucleotide variant.
Coding change: c.113G>A on transcript NM_000445.5; coding-DNA position 113, G replaced by A.
Protein change: p.Arg38Gln; replaces arginine 38 with glutamine.
Molecular consequence: missense variant.
Genome position (GRCh38, 1-based): chr8:143,975,257, C>T on the plus strand (G>A on the coding strand, the complement: PLEC is on the minus strand). VCF-style: chr8-143975257-C-T. GRCh37 (hg19) VCF-style: chr8-145049425-C-T.
Other names: c.113G>A, p.Arg38Gln (NM_001410941.1); short protein forms R38Q.
Identifiers: ClinVar variation 4789193 (VCV004789193.1).